The following is an entry in ClinVar:

NM_001278512.2(AP3B2):c.2554G>A (p.Ala852Thr)

Genes: AP3B2 (adaptor related protein complex 3 subunit beta 2; minus strand), CPEB1-AS1 (CPEB1 antisense RNA 1; plus strand), LOC113939947 (Sharpr-MPRA regulatory region 5793; plus strand). Cytogenetic location: 15q25.2.
Variant type: single nucleotide variant.
Coding change: c.2554G>A on transcript NM_001278512.2 (MANE Select); coding-DNA position 2554, G replaced by A.
Protein change: p.Ala852Thr; replaces alanine 852 with threonine.
Molecular consequence: missense variant.
Genome position (GRCh38, 1-based): chr15:82,663,177, C>T on the plus strand (G>A on the coding strand, the complement: AP3B2 is on the minus strand). VCF-style: chr15-82663177-C-T. GRCh37 (hg19) VCF-style: chr15-83331929-C-T.
Other names: c.2401G>A, p.Ala801Thr (NM_001278511.2); c.2497G>A, p.Ala833Thr (NM_004644.5); short protein forms A801T, A833T, A852T.
Identifiers: ClinVar variation 2427854 (VCV002427854.31), dbSNP rs373688202, ClinGen allele CA7699859.

ClinVar aggregate classification (germline): Uncertain significance. Review status: criteria provided, multiple submitters, no conflicts (2 of 4 stars). 2 submissions from 2 submitters: Uncertain significance (2). Last evaluated 2023-05-01.

Allele frequency attached by ClinVar (database versions not stated): ExAC 0.00001; gnomAD exomes 0.00001; gnomAD 0.00002; TOPMed 0.00002.
gnomAD v4.1: 23 of 1,612,762 alleles (0.0014%); highest among the groups gnomAD compares: Non-Finnish European, 0.0019%; no homozygotes.

Submissions (2):

CeGaT Center for Human Genetics Tuebingen
Classification: Uncertain significance. Last evaluated: 2023-05-01. Review status: criteria provided, single submitter. Criteria: CeGaT Center For Human Genetics Tuebingen Variant Classification Criteria Version 2. Collection method: clinical testing. Allele origin: germline. Affected: yes. Observed: 1 variant allele.
Comment: AP3B2: PM2, BP4

Labcorp Genetics (formerly Invitae), Labcorp
Classification: Uncertain significance. Last evaluated: 2022-03-18. Review status: criteria provided, single submitter. Criteria: Invitae Variant Classification Sherloc (09022015). Collection method: clinical testing. Allele origin: germline.
Comment: In summary, the available evidence is currently insufficient to determine the role of this variant in disease. Therefore, it has been classified as a Variant of Uncertain Significance. Algorithms developed to predict the effect of missense changes on protein structure and function are either unavailable or do not agree on the potential impact of this missense change (SIFT: "Tolerated"; PolyPhen-2: "Possibly Damaging"; Align-GVGD: "Class C0"). This variant has not been reported in the literature in individuals affected with AP3B2-related conditions. This variant is present in population databases (rs373688202, gnomAD 0.005%). This sequence change replaces alanine, which is neutral and non-polar, with threonine, which is neutral and polar, at codon 833 of the AP3B2 protein (p.Ala833Thr).